The following is an entry in ClinVar:

ClinVar aggregate classification (germline): Uncertain significance. Review status: criteria provided, multiple submitters, no conflicts (2 of 4 stars). 2 submissions from 2 submitters: Uncertain significance (2). Last evaluated 2023-04-13.

Conditions:
Inborn genetic diseases. Identifiers: MedGen C0950123, MeSH D030342.

Allele frequency attached by ClinVar (database versions not stated): TOPMed below 0.00001; ExAC 0.00001; gnomAD 0.00001; gnomAD exomes 0.00001 and 0.00004.
gnomAD v4.1: 57 of 1,613,770 alleles (0.0035%); highest among the groups gnomAD compares: Non-Finnish European, 0.0048%; 1 homozygote.

Submissions (2):

Ambry Genetics
Classification: Uncertain significance for Inborn genetic diseases. Last evaluated: 2023-04-13. Review status: criteria provided, single submitter. Criteria: Ambry Variant Classification Scheme 2023. Collection method: clinical testing. Allele origin: germline.

GeneDx
Classification: Uncertain significance. Last evaluated: 2019-11-02. Review status: criteria provided, single submitter. Criteria: GeneDx Variant Classification Process June 2021. Collection method: clinical testing. Allele origin: germline. Affected: yes.
Comment: Not observed at a significant frequency in large population cohorts (Lek et al., 2016); In silico analysis, which includes protein predictors and evolutionary conservation, supports a deleterious effect; Has not been previously published as pathogenic or benign to our knowledge

NM_178857.6(RP1L1):c.989A>T (p.His330Leu)

Gene: RP1L1 (RP1 like 1). Cytogenetic location: 8p23.1.
Variant type: single nucleotide variant.
Coding change: c.989A>T on transcript NM_178857.6 (MANE Select); coding-DNA position 989, A replaced by T.
Protein change: p.His330Leu; replaces histidine 330 with leucine.
Molecular consequence: missense variant.
Genome position (GRCh38, 1-based): chr8:10,613,109, T>A on the plus strand (A>T on the coding strand, the complement: RP1L1 is on the minus strand). VCF-style: chr8-10613109-T-A. GRCh37 (hg19) VCF-style: chr8-10470619-T-A.
Other names: short protein forms H330L.
Identifiers: ClinVar variation 1309507 (VCV001309507.4), dbSNP rs772188613, ClinGen allele CA4625364.